The following is an entry in ClinVar:

ClinVar aggregate classification (germline): Uncertain significance (1 of 4 stars; one submission).

gnomAD v4.1: 7 of 1,607,594 alleles (0.00044%); highest among the groups gnomAD compares: Non-Finnish European, 0.00059%; no homozygotes.

Submission:

Labcorp Genetics (formerly Invitae), Labcorp
Classification: Uncertain significance. Last evaluated: 2024-04-02. Review status: criteria provided, single submitter. Criteria: Invitae Variant Classification Sherloc (09022015). Collection method: clinical testing. Allele origin: germline.
Comment: This sequence change replaces aspartic acid, which is acidic and polar, with histidine, which is basic and polar, at codon 225 of the TRAPPC12 protein (p.Asp225His). This variant is not present in population databases (gnomAD no frequency). This variant has not been reported in the literature in individuals affected with TRAPPC12-related conditions. Advanced modeling of protein sequence and biophysical properties (such as structural, functional, and spatial information, amino acid conservation, physicochemical variation, residue mobility, and thermodynamic stability) performed at Invitae indicates that this missense variant is expected to disrupt TRAPPC12 protein function with a positive predictive value of 80%. In summary, the available evidence is currently insufficient to determine the role of this variant in disease. Therefore, it has been classified as a Variant of Uncertain Significance.

NM_016030.6(TRAPPC12):c.673G>C (p.Asp225His)

Gene: TRAPPC12 (trafficking protein particle complex subunit 12; plus strand). Cytogenetic location: 2p25.3.
Variant type: single nucleotide variant.
Coding change: c.673G>C on transcript NM_016030.6 (MANE Select); coding-DNA position 673, G replaced by C.
Protein change: p.Asp225His; replaces aspartic acid 225 with histidine.
Molecular consequence: missense variant.
Genome position (GRCh38, 1-based): chr2:3,388,296, G>C. VCF-style: chr2-3388296-G-C. GRCh37 (hg19) VCF-style: chr2-3392067-G-C.
Other names: c.673G>C, p.Asp225His (NM_001321102.2); short protein forms D225H.
Identifiers: ClinVar variation 3643851 (VCV003643851.2).